The following is an entry in ClinVar:

NM_000390.4(CHM):c.886del (p.Leu295_Met296insTer)

Gene: CHM (CHM Rab escort protein; minus strand). Cytogenetic location: Xq21.2.
Variant type: Deletion.
Coding change: c.886del on transcript NM_000390.4 (MANE Select); coding-DNA position 886, one base deleted (A; older notation c.886delA).
Protein change: p.Leu295_Met296insTer.
Molecular consequence: nonsense.
Genome position (GRCh38, 1-based): chrX:85,957,909, T deleted on the plus strand (A on the coding strand, the reverse complement: CHM is on the minus strand); the first of 2 consecutive T bases (chrX:85,957,909-85,957,910); deleting either gives the same sequence. VCF-style (leftmost placement, unchanged base first): chrX-85957908-AT-A. GRCh37 (hg19) VCF-style: chrX-85212913-AT-A.
Other names: c.442del, p.Leu147_Met148insTer (NM_001320959.1, NM_001362517.1, NM_001362518.2 and 1 more transcripts).
Identifiers: ClinVar variation 4540564 (VCV004540564.1).

ClinVar aggregate classification (germline): Pathogenic (1 of 4 stars; one submission).

Conditions:
Choroideremia. Also called: Chorioretinal scalloped atrophy. Identifiers: Orphanet 180, MedGen C0008525, MONDO:0010557, OMIM 303100, HP:0001139.

Submission:

North West Genomic Laboratory Hub, Manchester University NHS Foundation Trust
Classification: Pathogenic for Choroideremia. Last evaluated: 2025-10-01. Review status: criteria provided, single submitter. Criteria: ACGS Best Practice Guidelines for Variant Classification in Rare Disease 2024. Collection method: clinical testing. Allele origin: germline. Affected: yes.
Comment: PM2_Mod PP1_Supp PVS1_VStr